The following is an entry in ClinVar:

ClinVar aggregate classification (germline): Uncertain significance (1 of 4 stars; one submission).

gnomAD v4.1: 1 of 1,593,322 alleles (0.000063%); highest among the groups gnomAD compares: Non-Finnish European, 0.000086%; no homozygotes.

Submission:

GeneDx
Classification: Uncertain significance. Last evaluated: 2025-03-04. Review status: criteria provided, single submitter. Criteria: GeneDx Variant Classification Process June 2021. Collection method: clinical testing. Allele origin: germline. Affected: yes.
Comment: Not observed at significant frequency in large population cohorts (gnomAD); In silico analysis supports that this missense variant has a deleterious effect on protein structure/function; Has not been previously published as pathogenic or benign to our knowledge

NM_003482.4(KMT2D):c.13889C>A (p.Pro4630Gln)

Gene: KMT2D (lysine methyltransferase 2D; minus strand). Cytogenetic location: 12q13.12.
Variant type: single nucleotide variant.
Coding change: c.13889C>A on transcript NM_003482.4 (MANE Select); coding-DNA position 13889, C replaced by A.
Protein change: p.Pro4630Gln; replaces proline 4630 with glutamine.
Molecular consequence: missense variant.
Genome position (GRCh38, 1-based): chr12:49,030,390, G>T on the plus strand (C>A on the coding strand, the complement: KMT2D is on the minus strand). VCF-style: chr12-49030390-G-T. GRCh37 (hg19) VCF-style: chr12-49424173-G-T.
Other names: short protein forms P4630Q.
Identifiers: ClinVar variation 4082849 (VCV004082849.1).